The following is an entry in ClinVar:

ClinVar aggregate classification (germline): Uncertain significance. Review status: criteria provided, multiple submitters, no conflicts (2 of 4 stars). 2 submissions from 2 submitters: Uncertain significance (2). Last evaluated 2024-02-07.

Conditions:
Basal laminar drusen. Also called: DRUSEN OF BRUCH MEMBRANE; DRUSEN, CUTICULAR; DRUSEN, EARLY ADULT-ONSET, GROUPED. Identifiers: Orphanet 75376, MedGen C0730295, MONDO:0007472, OMIM 126700.
Age related macular degeneration 4. Identifiers: MedGen C1853147, MONDO:0012540, OMIM 610698.
Hemolytic uremic syndrome, atypical, susceptibility to, 1. Also called: AHUS, SUSCEPTIBILITY TO, 1. Identifiers: Orphanet 2134, Orphanet 90038, MedGen C2749604, MONDO:0009335, OMIM 235400. Disease mechanism: Other.
Factor H deficiency (CFHD). Also called: COMPLEMENT FACTOR H DEFICIENCY; CFH DEFICIENCY. Identifiers: Orphanet 200421, MedGen C0398777, MONDO:0012350, OMIM 609814.

Allele frequency attached by ClinVar (database versions not stated): ExAC 0.00001; gnomAD 0.00001; TOPMed 0.00002; ESP Exome Variant Server 0.00008.
gnomAD v4.1: 3 of 1,613,952 alleles (0.00019%); highest among the groups gnomAD compares: Admixed American, 0.0017%; no homozygotes.

Submissions (2):

Fulgent Genetics
Classification: Uncertain significance for Basal laminar drusen; Hemolytic uremic syndrome, atypical, susceptibility to, 1; Factor H deficiency; Age related macular degeneration 4. Last evaluated: 2024-02-07. Review status: criteria provided, single submitter. Criteria: ACMG Guidelines, 2015. Collection method: clinical testing. Allele origin: germline.

Labcorp Genetics (formerly Invitae), Labcorp
Classification: Uncertain significance. Last evaluated: 2023-01-31. Review status: criteria provided, single submitter. Criteria: Invitae Variant Classification Sherloc (09022015). Collection method: clinical testing. Allele origin: germline.
Comment: In summary, the available evidence is currently insufficient to determine the role of this variant in disease. Therefore, it has been classified as a Variant of Uncertain Significance. Algorithms developed to predict the effect of missense changes on protein structure and function output the following: SIFT: "Tolerated"; PolyPhen-2: "Benign"; Align-GVGD: "Class C0". The lysine amino acid residue is found in multiple mammalian species, which suggests that this missense change does not adversely affect protein function. This variant has not been reported in the literature in individuals affected with CFH-related conditions. This variant is present in population databases (rs370384708, gnomAD 0.0009%). This sequence change replaces arginine, which is basic and polar, with lysine, which is basic and polar, at codon 1040 of the CFH protein (p.Arg1040Lys).

NM_000186.4(CFH):c.3119G>A (p.Arg1040Lys)

Gene: CFH (complement factor H; plus strand). Cytogenetic location: 1q31.3.
Variant type: single nucleotide variant.
Coding change: c.3119G>A on transcript NM_000186.4 (MANE Select); coding-DNA position 3119, G replaced by A.
Protein change: p.Arg1040Lys; replaces arginine 1040 with lysine.
Molecular consequence: missense variant.
Genome position (GRCh38, 1-based): chr1:196,742,037, G>A. VCF-style: chr1-196742037-G-A. GRCh37 (hg19) VCF-style: chr1-196711167-G-A.
Other names: short protein forms R1040K.
Identifiers: ClinVar variation 2962885 (VCV002962885.4), dbSNP rs370384708, ClinGen allele CA1305827.
Genomic context (GRCh38, chr1:196,742,037, plus strand): 5'-CATATTACAAAATGGATGGAGCCAGTAATGTAACATGCATTAATAGCAGATGGACAGGAA[G>A]GCCAACATGCAGAGGTACTTTGGTGAATTTTCAAAATTTATTTATATAATGTGTGGGCCC-3'
Protein context (NP_000177.2, residues 1030-1050): VTCINSRWTG[Arg1040Lys]PTCRDTSCVN